The following is an entry in ClinVar:

ClinVar aggregate classification (germline): Uncertain significance (1 of 4 stars; one submission).

Conditions:
Aortic valve disease 2 (AOVD2). Identifiers: MedGen C3542024, MONDO:0013902, OMIM 614823.

Allele frequency attached by ClinVar (database versions not stated): gnomAD exomes below 0.00001.
gnomAD v4.1: 2 of 1,482,612 alleles (0.00013%); highest among the groups gnomAD compares: Non-Finnish European, 0.00018%; no homozygotes.

Submission:

Labcorp Genetics (formerly Invitae), Labcorp
Classification: Uncertain significance for Aortic valve disease 2. Last evaluated: 2022-11-15. Review status: criteria provided, single submitter. Criteria: Invitae Variant Classification Sherloc (09022015). Collection method: clinical testing. Allele origin: germline.
Comment: This variant has not been reported in the literature in individuals affected with SMAD6-related conditions. ClinVar contains an entry for this variant (Variation ID: 568988). Algorithms developed to predict the effect of missense changes on protein structure and function are either unavailable or do not agree on the potential impact of this missense change (SIFT: "Deleterious"; PolyPhen-2: "Benign"; Align-GVGD: "Class C0"). In summary, the available evidence is currently insufficient to determine the role of this variant in disease. Therefore, it has been classified as a Variant of Uncertain Significance. This sequence change replaces glycine, which is neutral and non-polar, with alanine, which is neutral and non-polar, at codon 30 of the SMAD6 protein (p.Gly30Ala). This variant is not present in population databases (gnomAD no frequency).

NM_005585.5(SMAD6):c.89G>C (p.Gly30Ala)

Gene: SMAD6 (SMAD family member 6; plus strand). Cytogenetic location: 15q22.31.
Variant type: single nucleotide variant.
Coding change: c.89G>C on transcript NM_005585.5 (MANE Select); coding-DNA position 89, G replaced by C.
Protein change: p.Gly30Ala; replaces glycine 30 with alanine.
Molecular consequence: missense variant. On other transcripts: non-coding transcript variant (1).
Genome position (GRCh38, 1-based): chr15:66,703,347, G>C. VCF-style: chr15-66703347-G-C. GRCh37 (hg19) VCF-style: chr15-66995685-G-C.
Other names: short protein forms G30A.
Identifiers: ClinVar variation 568988 (VCV000568988.8), dbSNP rs1567091237, ClinGen allele CA392948504.